The following is an entry in ClinVar:

NM_003076.5(SMARCD1):c.967A>G (p.Ile323Val)

Gene: SMARCD1 (SWI/SNF related BAF chromatin remodeling complex subunit D1; plus strand). Cytogenetic location: 12q13.12.
Variant type: single nucleotide variant.
Coding change: c.967A>G on transcript NM_003076.5 (MANE Select); coding-DNA position 967, A replaced by G.
Protein change: p.Ile323Val; replaces isoleucine 323 with valine.
Molecular consequence: missense variant.
Genome position (GRCh38, 1-based): chr12:50,090,334, A>G. VCF-style: chr12-50090334-A-G. GRCh37 (hg19) VCF-style: chr12-50484117-A-G.
Other names: c.967A>G, p.Ile323Val (NM_139071.3); short protein forms I323V.
Identifiers: ClinVar variation 2663621 (VCV002663621.3), dbSNP rs2539498035, ClinGen allele CA384791954.

ClinVar aggregate classification (germline): Uncertain significance. Review status: criteria provided, multiple submitters, no conflicts (2 of 4 stars). 2 submissions from 2 submitters: Uncertain significance (2). Last evaluated 2026-10-13.

Conditions:
Inborn genetic diseases. Identifiers: MedGen C0950123, MeSH D030342.

Submissions (2):

GeneDx
Classification: Uncertain significance. Last evaluated: 2026-10-13. Review status: criteria provided, single submitter. Criteria: GeneDx Variant Classification Process June 2021. Collection method: clinical testing. Allele origin: germline.
Comment: Not observed at significant frequency in large population cohorts (gnomAD); In silico analysis suggests that this missense variant does not alter protein structure/function; Has not been previously published as pathogenic or benign to our knowledge

Ambry Genetics
Classification: Uncertain significance for Inborn genetic diseases. Last evaluated: 2025-08-03. Review status: criteria provided, single submitter. Criteria: Ambry Variant Classification Scheme 2023. Collection method: clinical testing. Allele origin: germline.